The following is an entry in ClinVar:

NM_003183.6(ADAM17):c.2326G>A (p.Gly776Arg)

Genes: ADAM17 (ADAM metallopeptidase domain 17; minus strand), IAH1 (isoamyl acetate hydrolyzing esterase 1 (putative); plus strand). Cytogenetic location: 2p25.1.
Variant type: single nucleotide variant.
Coding change: c.2326G>A on transcript NM_003183.6 (MANE Select); coding-DNA position 2326, G replaced by A.
Protein change: p.Gly776Arg; replaces glycine 776 with arginine.
Molecular consequence: missense variant.
Genome position (GRCh38, 1-based): chr2:9,490,326, C>T on the plus strand (G>A on the coding strand, the complement: ADAM17 is on the minus strand). VCF-style: chr2-9490326-C-T. GRCh37 (hg19) VCF-style: chr2-9630455-C-T.
Other names: short protein forms G776R.
Identifiers: ClinVar variation 834970 (VCV000834970.9), dbSNP rs764293730, ClinGen allele CA1523237.

ClinVar aggregate classification (germline): Uncertain significance (1 of 4 stars; one submission).

Conditions:
Inflammatory skin and bowel disease, neonatal, 1. Identifiers: Orphanet 294023, MedGen C3280501, MONDO:0013693, OMIM 614328.

Allele frequency attached by ClinVar (database versions not stated): gnomAD exomes below 0.00001 and 0.00001; ExAC 0.00002; gnomAD 0.00002 and 0.00003; TOPMed 0.00002.
gnomAD v4.1: 13 of 1,613,970 alleles (0.00081%); highest among the groups gnomAD compares: Admixed American, 0.0017%; no homozygotes.

Submission:

Labcorp Genetics (formerly Invitae), Labcorp
Classification: Uncertain significance for Inflammatory skin and bowel disease, neonatal, 1. Last evaluated: 2022-06-04. Review status: criteria provided, single submitter. Criteria: Invitae Variant Classification Sherloc (09022015). Collection method: clinical testing. Allele origin: germline.
Comment: In summary, the available evidence is currently insufficient to determine the role of this variant in disease. Therefore, it has been classified as a Variant of Uncertain Significance. Algorithms developed to predict the effect of sequence changes on RNA splicing suggest that this variant may create or strengthen a splice site. Algorithms developed to predict the effect of missense changes on protein structure and function are either unavailable or do not agree on the potential impact of this missense change (SIFT: "Not Available"; PolyPhen-2: "Benign"; Align-GVGD: "Not Available"). ClinVar contains an entry for this variant (Variation ID: 834970). This variant has not been reported in the literature in individuals affected with ADAM17-related conditions. This variant is present in population databases (rs764293730, gnomAD 0.003%). This sequence change replaces glycine, which is neutral and non-polar, with arginine, which is basic and polar, at codon 776 of the ADAM17 protein (p.Gly776Arg).